The following is an entry in ClinVar:

ClinVar aggregate classification (germline): Pathogenic/Likely pathogenic. Review status: criteria provided, multiple submitters, no conflicts (2 of 4 stars). 2 submissions from 2 submitters: Pathogenic (1); Likely pathogenic (1). Last evaluated 2023-08-04.

Conditions:
FAM161A-related disorder. Also called: FAM161A-related condition.

Submissions (2):

Labcorp Genetics (formerly Invitae), Labcorp
Classification: Pathogenic. Last evaluated: 2023-08-04. Review status: criteria provided, single submitter. Criteria: Invitae Variant Classification Sherloc (09022015). Collection method: clinical testing. Allele origin: germline.
Comment: For these reasons, this variant has been classified as Pathogenic. This variant has not been reported in the literature in individuals affected with FAM161A-related conditions. This variant is not present in population databases (gnomAD no frequency). This sequence change creates a premature translational stop signal (p.Asn408Phefs*4) in the FAM161A gene. It is expected to result in an absent or disrupted protein product. Loss-of-function variants in FAM161A are known to be pathogenic (PMID: 20705278, 20705279, 24651477).

Blueprint Genetics
Classification: Likely pathogenic for FAM161A-related disorders. Last evaluated: 2021-05-21. Review status: criteria provided, single submitter. Criteria: ACMG Guidelines, 2015. Collection method: clinical testing. Allele origin: germline. Affected: yes. Observed: 1 variant allele.

Literature cited by the submitters: PubMed 20705278 (cited by Labcorp Genetics (formerly Invitae), Labcorp); PubMed 20705279 (cited by Labcorp Genetics (formerly Invitae), Labcorp); PubMed 24651477 (cited by Labcorp Genetics (formerly Invitae), Labcorp).

NM_001201543.2(FAM161A):c.1218_1231delinsTAGGTTCAGGATGTAG (p.Asn408_Cys411delinsPheArgMetTer)

Gene: FAM161A (FAM161 centrosomal protein A; minus strand). Cytogenetic location: 2p15.
Variant type: Indel.
Coding change: c.1218_1231delinsTAGGTTCAGGATGTAG on transcript NM_001201543.2 (MANE Select); coding-DNA positions 1218 to 1231, CAGGAACCCCAGGT replaced by TAGGTTCAGGATGTAG.
Protein change: p.Asn408_Cys411delinsPheArgMetTer.
Molecular consequence: nonsense. On other transcripts: non-coding transcript variant (1).
Genome position (GRCh38, 1-based): chr2:61,839,773-61,839,786, ACCTGGGGTTCCTG replaced by CTACATCCTGAACCTA on the plus strand (CAGGAACCCCAGGT replaced by TAGGTTCAGGATGTAG on the coding strand, the reverse complement: FAM161A is on the minus strand). VCF-style: chr2-61839773-ACCTGGGGTTCCTG-CTACATCCTGAACCTA. GRCh37 (hg19) VCF-style: chr2-62066908-ACCTGGGGTTCCTG-CTACATCCTGAACCTA.
Other names: c.1218_1231delinsTAGGTTCAGGATGTAG, p.Asn408_Cys411delinsPheArgMetTer (NM_032180.3).
Identifiers: ClinVar variation 969409 (VCV000969409.6), dbSNP rs1672931057, ClinGen allele CA1139657059.